The following is an entry in ClinVar:

ClinVar aggregate classification (germline): Uncertain significance. Review status: criteria provided, multiple submitters, no conflicts (2 of 4 stars). 2 submissions from 2 submitters: Uncertain significance (2). Last evaluated 2025-07-12.

Conditions:
Hereditary breast ovarian cancer syndrome. Also called: Breast and ovarian cancer; Hereditary breast and ovarian cancer; Hereditary breast and/or ovarian cancer syndrome; BRCA1- and BRCA2-Associated Hereditary Breast and Ovarian Cancer; Hereditary breast and ovarian cancer syndrome; Hereditary breast and ovarian cancer syndrome (HBOC). Identifiers: Orphanet 145, MedGen C0677776, MeSH D061325, MONDO:0003582. Disease mechanism: loss of function.

Submissions (2):

Quest Diagnostics Nichols Institute San Juan Capistrano
Classification: Uncertain significance. Last evaluated: 2025-07-12. Review status: criteria provided, single submitter. Criteria: Quest Diagnostics criteria. Collection method: clinical testing. Allele origin: unknown.
Comment: The BRCA1 c.29_31del (p.Glu10del) variant has not been reported in individuals with BRCA1-related conditions in the published literature. It also has not been reported in large, multi-ethnic general populations (Genome Aggregation Database). Based on the available information, we are unable to determine the clinical significance of this variant.

Labcorp Genetics (formerly Invitae), Labcorp
Classification: Uncertain significance for Hereditary breast ovarian cancer syndrome. Last evaluated: 2019-12-23. Review status: criteria provided, single submitter. Criteria: Invitae Variant Classification Sherloc (09022015). Collection method: clinical testing. Allele origin: germline.
Comment: This variant is not present in population databases (ExAC no frequency). This variant, c.29_31del, results in the deletion of 1 amino acid(s) of the BRCA1 protein (p.Glu10del), but otherwise preserves the integrity of the reading frame. This variant has not been reported in the literature in individuals with BRCA1-related conditions. In summary, the available evidence is currently insufficient to determine the role of this variant in disease. Therefore, it has been classified as a Variant of Uncertain Significance. Experimental studies and prediction algorithms are not available or were not evaluated, and the functional significance of this variant is currently unknown.

NM_007294.4(BRCA1):c.26AAG[1] (p.Glu10del)

Gene: BRCA1 (BRCA1 DNA repair associated; minus strand). Cytogenetic location: 17q21.31.
Variant type: Microsatellite.
Coding change: c.26AAG[1] on transcript NM_007294.4 (MANE Select); one copy of the 3-base unit AAG starting at c.26; the reference has two copies in a row; one copy, 3 bases deleted; also written c.29_31del.
Protein change: p.Glu10del; deletes glutamic acid 10.
Molecular consequence: inframe deletion. On other transcripts: inframe indel (196), 5 prime UTR variant (1), non-coding transcript variant (1).
Genome position (GRCh38, 1-based): chr17:43,124,066-43,124,068, CTT deleted on the plus strand (AAG on the coding strand, the reverse complement: BRCA1 is on the minus strand); deleting any 3 consecutive bases within chr17:43,124,066-43,124,072 gives the same sequence; the position shown is the placement nearest the transcript's 3' end. VCF-style (leftmost placement, unchanged base first): chr17-43124065-ACTT-A. GRCh37 (hg19) VCF-style: chr17-41276082-ACTT-A.
Other names: c.-164_-162GAA[1] (NM_001407571.1, NM_001407853.1, NM_001407879.1 and 46 more transcripts); c.25_27GAA[1], p.Glu10del (NM_001407581.1, NM_001407582.1, NM_001407583.1 and 192 more transcripts); c.-233_-231GAA[1] (NM_001407694.1, NM_001407724.1, NM_001407727.1 and 11 more transcripts); c.-237_-235GAA[1] (NM_001407695.1, NM_001408465.1); c.-378_-376GAA[1] (NM_001407696.1); c.-262_-260GAA[1] (NM_001407697.1, NM_001407846.1, NM_001407920.1); c.-63_-61GAA[1] (NM_001407698.1, NM_001407732.1, NM_001407736.1 and 22 more transcripts); c.-236_-234GAA[1] (NM_001407725.1, NM_001407730.1, NM_001407734.1 and 22 more transcripts); and 11 more; short protein forms E10del.
Identifiers: ClinVar variation 847822 (VCV000847822.15), dbSNP rs2055736956, ClinGen allele CA916081131.
Genomic context (GRCh38, chr17:43,124,065, plus strand): 5'-GTGCTGACTTACCAGATGGGACACTCTAAGATTTTCTGCATAGCATTAATGACATTTTGT[ACTT>A]CTTCAACGCGAAGAGCAGATAAATCCATTTCTTTCTGTTCCAATGAACTTTAACACATTA-3'